The following is an entry in ClinVar:

NM_001081.4(CUBN):c.5761C>T (p.Arg1921Cys)

Gene: CUBN (cubilin; minus strand). Cytogenetic location: 10p13.
Variant type: single nucleotide variant.
Coding change: c.5761C>T on transcript NM_001081.4 (MANE Select); coding-DNA position 5761, C replaced by T.
Protein change: p.Arg1921Cys; replaces arginine 1921 with cysteine.
Molecular consequence: missense variant.
Genome position (GRCh38, 1-based): chr10:16,937,757, G>A on the plus strand (C>T on the coding strand, the complement: CUBN is on the minus strand). VCF-style: chr10-16937757-G-A. GRCh37 (hg19) VCF-style: chr10-16979756-G-A.
Other names: short protein forms R1921C.
Identifiers: ClinVar variation 3351858 (VCV003351858.1).

ClinVar aggregate classification (germline): Uncertain significance (0 of 4 stars; one submission).

Conditions:
CUBN-related disorder. Also called: CUBN-related condition.

gnomAD v4.1: 122 of 1,613,970 alleles (0.0076%); highest among the groups gnomAD compares: South Asian, 0.11%; 1 homozygote.

Submission:

PreventionGenetics, part of Exact Sciences
Classification: Uncertain significance for CUBN-related condition. Last evaluated: 2024-03-20. Review status: no assertion criteria provided. Collection method: clinical testing. Allele origin: germline.
Comment: The CUBN c.5761C>T variant is predicted to result in the amino acid substitution p.Arg1921Cys. To our knowledge, this variant has not been reported in the literature. This variant is reported in 0.075% of alleles in individuals of South Asian descent in gnomAD. Although we suspect that this variant may be benign, at this time, the clinical significance of this variant is uncertain due to the absence of conclusive functional and genetic evidence.